The following is an entry in ClinVar:

ClinVar aggregate classification (germline): Uncertain significance. Review status: criteria provided, single submitter (1 of 4 stars). 2 submissions from 2 submitters: Uncertain significance (1). 1 of the submissions does not count toward it. Last evaluated 2025-09-11.

Conditions:
Deficiency of UDPglucose-hexose-1-phosphate uridylyltransferase. Also called: GALT deficiency; Galactosemia, classic; Transferase Deficiency Galactosemia; GALACTOSEMIA I; GALACTOSE-1-PHOSPHATE URIDYLYLTRANSFERASE DEFICIENCY. Identifiers: Orphanet 352, Orphanet 79239, MedGen C0268151, MONDO:0009258, OMIM 230400.

Allele frequency attached by ClinVar (database versions not stated): TOPMed below 0.00001.

Submissions (2):

Women's Health and Genetics/Laboratory Corporation of America, LabCorp
Classification: Uncertain significance. Last evaluated: 2025-09-11. Review status: criteria provided, single submitter. Criteria: LabCorp Variant Classification Summary - May 2015. Collection method: clinical testing. Allele origin: germline.
Comment: Variant summary: GALT c.676C>G (p.Leu226Val) results in a conservative amino acid change in the encoded protein sequence. Algorithms developed to predict the effect of missense changes on protein structure and function are either unavailable or do not agree on the potential impact of this missense change. The variant was absent in 251452 control chromosomes. The available data on variant occurrences in the general population are insufficient to allow any conclusion about variant significance. c.676C>G has been observed in individual(s) affected with Galactosemia in a mutation database that has not been available (GALT Locus-specific database by University of Bristol). These report(s) do not provide unequivocal conclusions about association of the variant with Galactosemia. To our knowledge, no experimental evidence demonstrating an impact on protein function has been reported. ClinVar contains an entry for this variant (Variation ID: 37351). Based on the evidence outlined above, the variant was classified as uncertain significance.

Counsyl
Classification: Uncertain significance for Deficiency of UDPglucose-hexose-1-phosphate uridylyltransferase. Last evaluated: 2017-07-28. Review status: no assertion criteria provided. Collection method: clinical testing. Allele origin: unknown. Not counted in ClinVar's aggregate classification.

NM_000155.4(GALT):c.676C>G (p.Leu226Val)

Gene: GALT (galactose-1-phosphate uridylyltransferase; plus strand). Cytogenetic location: 9p13.3.
Variant type: single nucleotide variant.
Coding change: c.676C>G on transcript NM_000155.4 (MANE Select); coding-DNA position 676, C replaced by G.
Protein change: p.Leu226Val; replaces leucine 226 with valine.
Molecular consequence: missense variant.
Genome position (GRCh38, 1-based): chr9:34,648,445, C>G. VCF-style: chr9-34648445-C-G. GRCh37 (hg19) VCF-style: chr9-34648442-C-G.
Other names: c.349C>G, p.Leu117Val (NM_001258332.2); short protein forms L226V, L117V.
Identifiers: ClinVar variation 37351 (VCV000037351.5), dbSNP rs111033751, ClinGen allele CA259471.